The following is an entry in ClinVar:

ClinVar aggregate classification (germline): Uncertain significance (1 of 4 stars; one submission).

Conditions:
Dilated cardiomyopathy 1KK (CMD1KK). Identifiers: Orphanet 154, Orphanet 75249, MedGen C3714995, MONDO:0014100, OMIM 615248.

Allele frequency attached by ClinVar (database versions not stated): ExAC 0.00001; gnomAD 0.00001; gnomAD exomes 0.00001; TOPMed 0.00001 and 0.00002; ESP Exome Variant Server 0.00008.
gnomAD v4.1: 10 of 1,611,626 alleles (0.00062%); highest among the groups gnomAD compares: Non-Finnish European, 0.00085%; no homozygotes.

Submission:

Baylor Genetics
Classification: Uncertain significance for Dilated cardiomyopathy 1KK. Last evaluated: 2018-01-24. Review status: criteria provided, single submitter. Criteria: ACMG Guidelines, 2015. Collection method: clinical testing. Allele origin: maternal. Affected: yes.
Comment: This variant was determined to be of uncertain significance according to ACMG Guidelines, 2015 [PMID:25741868].

NM_032578.4(MYPN):c.1979C>T (p.Ser660Phe)

Gene: MYPN (myopalladin; plus strand). Cytogenetic location: 10q21.3.
Variant type: single nucleotide variant.
Coding change: c.1979C>T on transcript NM_032578.4 (MANE Select); coding-DNA position 1979, C replaced by T.
Protein change: p.Ser660Phe; replaces serine 660 with phenylalanine.
Molecular consequence: missense variant. On other transcripts: non-coding transcript variant (2).
Genome position (GRCh38, 1-based): chr10:68,174,071, C>T. VCF-style: chr10-68174071-C-T. GRCh37 (hg19) VCF-style: chr10-69933828-C-T.
Other names: c.1979C>T, p.Ser660Phe (NM_001256267.2); c.1097C>T, p.Ser366Phe (NM_001256268.2); short protein forms S366F, S660F.
Identifiers: ClinVar variation 1032295 (VCV001032295.1), dbSNP rs377257378, ClinGen allele CA5522711.